The following is an entry in ClinVar:

ClinVar aggregate classification (germline): Uncertain significance. Review status: criteria provided, multiple submitters, no conflicts (2 of 4 stars). 3 submissions from 3 submitters: Uncertain significance (3). Last evaluated 2024-01-15.

Conditions:
Hereditary cancer-predisposing syndrome. Also called: Tumor predisposition; Neoplastic Syndromes, Hereditary; Hereditary Cancer Syndrome; Hereditary neoplastic syndrome. Identifiers: Orphanet 140162, MedGen C0027672, MeSH D009386, MONDO:0015356.
Cardiovascular phenotype. Identifiers: MedGen CN230736.
Neurofibromatosis, type 1 (NF1). Also called: VON RECKLINGHAUSEN DISEASE; NEUROFIBROMATOSIS, TYPE I, SOMATIC; Peripheral type neurofibromatosis; Neurofibromatosis, type I. Identifiers: Orphanet 636, MedGen C0027831, MONDO:0018975, OMIM 162200. Disease mechanism: loss of function.

Submissions (3):

Labcorp Genetics (formerly Invitae), Labcorp
Classification: Uncertain significance for Neurofibromatosis, type 1. Last evaluated: 2024-01-15. Review status: criteria provided, single submitter. Criteria: Invitae Variant Classification Sherloc (09022015). Collection method: clinical testing. Allele origin: germline.
Comment: This sequence change replaces serine, which is neutral and polar, with glycine, which is neutral and non-polar, at codon 361 of the NF1 protein (p.Ser361Gly). This variant is not present in population databases (gnomAD no frequency). This variant has not been reported in the literature in individuals affected with NF1-related conditions. ClinVar contains an entry for this variant (Variation ID: 1786533). Advanced modeling of protein sequence and biophysical properties (such as structural, functional, and spatial information, amino acid conservation, physicochemical variation, residue mobility, and thermodynamic stability) performed at Invitae indicates that this missense variant is not expected to disrupt NF1 protein function with a negative predictive value of 95%. Algorithms developed to predict the effect of sequence changes on RNA splicing suggest that this variant may disrupt the consensus splice site. In summary, the available evidence is currently insufficient to determine the role of this variant in disease. Therefore, it has been classified as a Variant of Uncertain Significance.

GeneDx
Classification: Uncertain significance. Last evaluated: 2022-07-20. Review status: criteria provided, single submitter. Criteria: GeneDx Variant Classification Process June 2021. Collection method: clinical testing. Allele origin: germline. Affected: yes.
Comment: Not observed at significant frequency in large population cohorts (gnomAD); In silico analysis supports a deleterious effect on splicing; In silico analysis supports that this missense variant does not alter protein structure/function; Has not been previously published as pathogenic or benign to our knowledge

Ambry Genetics
Classification: Uncertain significance for Cardiovascular phenotype; Hereditary cancer-predisposing syndrome. Last evaluated: 2021-06-18. Review status: criteria provided, single submitter. Criteria: Ambry Variant Classification Scheme 2023. Collection method: clinical testing. Allele origin: germline.
Comment: The p.S361G variant (also known as c.1081A>G), located in coding exon 10 of the NF1 gene, results from an A to G substitution at nucleotide position 1081. The serine at codon 361 is replaced by glycine, an amino acid with similar properties. This amino acid position is well conserved in available vertebrate species. In addition, as a missense substitution, this alteration is predicted to be tolerated by in silico analysis. In silico splice site analysis predicts that this alteration will result in the creation or strengthening of a novel splice acceptor site. RNA studies have demonstrated that this alteration results in an incomplete splice defect; the clinical impact of this abnormal splicing is unknown at this time (Ambry internal data). Since supporting evidence is limited at this time, the clinical significance of this alteration remains unclear.

NM_001042492.3(NF1):c.1081A>G (p.Ser361Gly)

Gene: NF1 (neurofibromin 1; plus strand). Cytogenetic location: 17q11.2.
Variant type: single nucleotide variant.
Coding change: c.1081A>G on transcript NM_001042492.3 (MANE Select); coding-DNA position 1081, A replaced by G.
Protein change: p.Ser361Gly; replaces serine 361 with glycine.
Molecular consequence: missense variant.
Genome position (GRCh38, 1-based): chr17:31,201,055, A>G. VCF-style: chr17-31201055-A-G. GRCh37 (hg19) VCF-style: chr17-29528073-A-G.
Other names: c.1081A>G, p.Ser361Gly (NM_000267.4, NM_001128147.3); short protein forms S361G.
Identifiers: ClinVar variation 1786533 (VCV001786533.7), dbSNP rs2544796797, ClinGen allele CA398996759.